The following is an entry in ClinVar:

NM_002471.4(MYH6):c.160C>T (p.Arg54Trp)

Genes: MYH6 (myosin heavy chain 6; minus strand), LOC114827851 (VISTA enhancer hs2155; plus strand). Cytogenetic location: 14q11.2.
Variant type: single nucleotide variant.
Coding change: c.160C>T on transcript NM_002471.4 (MANE Select); coding-DNA position 160, C replaced by T.
Protein change: p.Arg54Trp; replaces arginine 54 with tryptophan.
Molecular consequence: missense variant.
Genome position (GRCh38, 1-based): chr14:23,407,064, G>A on the plus strand (C>T on the coding strand, the complement: MYH6 is on the minus strand). VCF-style: chr14-23407064-G-A. GRCh37 (hg19) VCF-style: chr14-23876273-G-A.
Other names: short protein forms R54W.
Identifiers: ClinVar variation 1435983 (VCV001435983.13), dbSNP rs369366244, ClinGen allele CA7116256.
Genomic context (GRCh38, chr14:23,407,064, plus strand): 5'-GGCGCCATGCCCTACTCACCTTCCCATTCTCGGTTTCAGCAATGACCTTGCCTCCCTCCC[G>A]GGACAAAATCTTGGCTTTGACAAACTCTTCCTTGTCATCGGGCACGAAGCACTCAGTGCG-3'
Protein context (NP_002462.2, residues 44-64): EEFVKAKILS[Arg54Trp]EGGKVIAETE

ClinVar aggregate classification (germline): Uncertain significance. Review status: criteria provided, multiple submitters, no conflicts (2 of 4 stars). 4 submissions from 4 submitters: Uncertain significance (4). Last evaluated 2026-07-29.

Conditions:
MYH6-related disorder. Also called: MYH6-Related Disorders; MYH6-related condition.
Hypertrophic cardiomyopathy 1 (CMH1). Also called: Familial hypertrophic cardiomyopathy 1; MYH7-Related Familial Hypertrophic Cardiomyopathy. Identifiers: MedGen C3495498, MONDO:0008647, OMIM 192600.
Dilated cardiomyopathy 1EE (CMD1EE). Identifiers: Orphanet 154, MedGen C2750466, MONDO:0013198, OMIM 613252.
Hypertrophic cardiomyopathy 14. Identifiers: MedGen C2750467, MONDO:0013197, OMIM 613251.
Sick sinus syndrome 3, susceptibility to (SSS3). Identifiers: Orphanet 166282, MedGen C3279791, MONDO:0013568, OMIM 614090.
Atrial septal defect 3 (ASD3). Identifiers: Orphanet 1478, MedGen C3279790, MONDO:0013567, OMIM 614089.
Cardiovascular phenotype. Identifiers: MedGen CN230736.

Allele frequency attached by ClinVar (database versions not stated): ExAC 0.00002; gnomAD 0.00002; gnomAD exomes 0.00002; TOPMed 0.00003; ESP Exome Variant Server 0.00008.
gnomAD v4.1: 36 of 1,613,998 alleles (0.0022%); highest among the groups gnomAD compares: Middle Eastern, 0.016%; no homozygotes.

Submissions (4):

PreventionGenetics, part of Exact Sciences
Classification: Uncertain significance for MYH6-related condition. Last evaluated: 2026-07-29. Review status: criteria provided, single submitter. Criteria: ACMG Guidelines, 2015. Collection method: clinical testing. Allele origin: germline.
Comment: The MYH6 c.160C>T variant is predicted to result in the amino acid substitution p.Arg54Trp. This variant has reported in individuals with cardiomyopathy (Online Supplementary File 2, van Lint et al. 2019. PubMed ID: 30847666; Table S7, Walsh et al. 2017. PubMed ID: 28082330). This variant is reported in 0.010% of alleles in individuals of East Asian descent in gnomAD. At this time, the clinical significance of this variant is uncertain due to the absence of conclusive functional and genetic evidence.

Ambry Genetics
Classification: Uncertain significance for Cardiovascular phenotype. Last evaluated: 2025-07-30. Review status: criteria provided, single submitter. Criteria: Ambry Variant Classification Scheme 2023. Collection method: clinical testing. Allele origin: germline.
Comment: The p.R54W variant (also known as c.160C>T), located in coding exon 1 of the MYH6 gene, results from a C to T substitution at nucleotide position 160. The arginine at codon 54 is replaced by tryptophan, an amino acid with dissimilar properties. This variant was detected in a cardiomyopathy genetic testing cohort; however, clinical details were limited (van Lint FHM et al. Neth Heart J, 2019 Jun;27:304-309). This amino acid position is well conserved in available vertebrate species. In addition, the in silico prediction for this alteration is inconclusive. Based on the available evidence, the clinical significance of this variant remains unclear.

Labcorp Genetics (formerly Invitae), Labcorp
Classification: Uncertain significance for Hypertrophic cardiomyopathy 14. Last evaluated: 2022-09-27. Review status: criteria provided, single submitter. Criteria: Invitae Variant Classification Sherloc (09022015). Collection method: clinical testing. Allele origin: germline.
Comment: This variant is present in population databases (rs369366244, gnomAD 0.01%). This sequence change replaces arginine, which is basic and polar, with tryptophan, which is neutral and slightly polar, at codon 54 of the MYH6 protein (p.Arg54Trp). This missense change has been observed in individual(s) with MYH6-related conditions (PMID: 30847666). ClinVar contains an entry for this variant (Variation ID: 1435983). Advanced modeling of protein sequence and biophysical properties (such as structural, functional, and spatial information, amino acid conservation, physicochemical variation, residue mobility, and thermodynamic stability) performed at Invitae indicates that this missense variant is expected to disrupt MYH6 protein function. In summary, the available evidence is currently insufficient to determine the role of this variant in disease. Therefore, it has been classified as a Variant of Uncertain Significance.

Fulgent Genetics
Classification: Uncertain significance for Hypertrophic cardiomyopathy 1; Hypertrophic cardiomyopathy 14; Dilated cardiomyopathy 1EE; Atrial septal defect 3; Sick sinus syndrome 3, susceptibility to. Last evaluated: 2021-09-09. Review status: criteria provided, single submitter. Criteria: ACMG Guidelines, 2015. Collection method: clinical testing. Allele origin: unknown.

Literature cited by the submitters: PubMed 30847666 (cited by Ambry Genetics and Labcorp Genetics (formerly Invitae), Labcorp).